The following is an entry in ClinVar:

ClinVar aggregate classification (germline): Uncertain significance. Review status: criteria provided, multiple submitters, no conflicts (2 of 4 stars). 2 submissions from 2 submitters: Uncertain significance (2). Last evaluated 2025-04-21.

Conditions:
Inborn genetic diseases. Identifiers: MedGen C0950123, MeSH D030342.

gnomAD v4.1: 88 of 1,613,182 alleles (0.0055%); highest among the groups gnomAD compares: African/African-American, 0.008%; no homozygotes.

Submissions (2):

GeneDx
Classification: Uncertain significance. Last evaluated: 2025-04-21. Review status: criteria provided, single submitter. Criteria: GeneDx Variant Classification Process June 2021. Collection method: clinical testing. Allele origin: germline. Affected: yes.
Comment: Not observed at significant frequency in large population cohorts (gnomAD); In silico analysis indicates that this missense variant does not alter protein structure/function; Has not been previously published as pathogenic or benign to our knowledge

Ambry Genetics
Classification: Uncertain significance for Inborn genetic diseases. Last evaluated: 2024-06-30. Review status: criteria provided, single submitter. Criteria: Ambry Variant Classification Scheme 2023. Collection method: clinical testing. Allele origin: germline.

NM_017909.4(RMND1):c.1166C>T (p.Thr389Met)

Gene: RMND1 (required for meiotic nuclear division 1 homolog; minus strand). Cytogenetic location: 6q25.1.
Variant type: single nucleotide variant.
Coding change: c.1166C>T on transcript NM_017909.4 (MANE Select); coding-DNA position 1166, C replaced by T.
Protein change: p.Thr389Met; replaces threonine 389 with methionine.
Molecular consequence: missense variant.
Genome position (GRCh38, 1-based): chr6:151,417,313, G>A on the plus strand (C>T on the coding strand, the complement: RMND1 is on the minus strand). VCF-style: chr6-151417313-G-A. GRCh37 (hg19) VCF-style: chr6-151738448-G-A.
Other names: c.656C>T, p.Thr219Met (NM_001271937.2); short protein forms T389M, T219M.
Identifiers: ClinVar variation 3433930 (VCV003433930.2).